The following is an entry in ClinVar:

ClinVar aggregate classification (germline): Uncertain significance. Review status: criteria provided, multiple submitters, no conflicts (2 of 4 stars). 2 submissions from 2 submitters: Uncertain significance (2). Last evaluated 2026-09-01.

Conditions:
Inborn genetic diseases. Identifiers: MedGen C0950123, MeSH D030342.

Allele frequency attached by ClinVar (database versions not stated): gnomAD exomes below 0.00001; TOPMed 0.00001.
gnomAD v4.1: 1 of 1,613,440 alleles (0.000062%); highest among the groups gnomAD compares: Admixed American, 0.0017%; no homozygotes.

Submissions (2):

CeGaT Center for Human Genetics Tuebingen
Classification: Uncertain significance. Last evaluated: 2026-09-01. Review status: criteria provided, single submitter. Criteria: CeGaT Center For Human Genetics Tuebingen Variant Classification Criteria Version 2. Collection method: clinical testing. Allele origin: germline. Affected: yes. Observed: 1 variant allele.
Comment: MAP1B: PM2:Supporting

Ambry Genetics
Classification: Uncertain significance for Inborn genetic diseases. Last evaluated: 2021-10-14. Review status: criteria provided, single submitter. Criteria: Ambry Variant Classification Scheme 2023. Collection method: clinical testing. Allele origin: germline.

NM_005909.5(MAP1B):c.7285A>G (p.Met2429Val)

Gene: MAP1B (microtubule associated protein 1B; plus strand). Cytogenetic location: 5q13.2.
Variant type: single nucleotide variant.
Coding change: c.7285A>G on transcript NM_005909.5 (MANE Select); coding-DNA position 7285, A replaced by G.
Protein change: p.Met2429Val; replaces methionine 2429 with valine.
Molecular consequence: missense variant.
Genome position (GRCh38, 1-based): chr5:72,205,117, A>G. VCF-style: chr5-72205117-A-G. GRCh37 (hg19) VCF-style: chr5-71500944-A-G.
Other names: c.6907A>G, p.Met2303Val (NM_001324255.2); short protein forms M2303V, M2429V.
Identifiers: ClinVar variation 2255505 (VCV002255505.3), dbSNP rs1747417950, ClinGen allele CA359980637.